The following is an entry in ClinVar:

NM_002299.4(LCT):c.4916A>G (p.Asn1639Ser)

Gene: LCT (lactase; minus strand). Cytogenetic location: 2q21.3.
Variant type: single nucleotide variant.
Coding change: c.4916A>G on transcript NM_002299.4 (MANE Select); coding-DNA position 4916, A replaced by G.
Protein change: p.Asn1639Ser; replaces asparagine 1639 with serine.
Molecular consequence: missense variant.
Genome position (GRCh38, 1-based): chr2:135,798,089, T>C on the plus strand (A>G on the coding strand, the complement: LCT is on the minus strand). VCF-style: chr2-135798089-T-C. GRCh37 (hg19) VCF-style: chr2-136555659-T-C.
Other names: c.4916A>G (LRG_338t1); short protein forms N1639S.
Identifiers: ClinVar variation 331168 (VCV000331168.25), dbSNP rs2322659, ClinGen allele CA1887741.

ClinVar aggregate classification (germline): Benign. Review status: criteria provided, multiple submitters, no conflicts (2 of 4 stars). 8 submissions from 8 submitters: Benign (6). 2 of the submissions do not count toward it. Last evaluated 2026-02-04.

Conditions:
Congenital lactase deficiency. Also called: ALACTASIA, CONGENITAL; DISACCHARIDE INTOLERANCE II. Identifiers: Orphanet 53690, MedGen C0268179, MONDO:0009115, OMIM 223000.

Allele frequency attached by ClinVar (database versions not stated): 1000 Genomes Project 30x 0.44582; TOPMed 0.56052; 1000 Genomes Project 0.44269; gnomAD 0.58541 and 0.59219; gnomAD exomes 0.60537 and 0.72245; ExAC 0.60581; ESP Exome Variant Server 0.61771.
gnomAD v4.1: 1,139,106 of 1,611,080 alleles (71%); highest among the groups gnomAD compares: Non-Finnish European, 78%; 423,167 homozygotes.

Submissions (8):

Labcorp Genetics (formerly Invitae), Labcorp
Classification: Benign. Last evaluated: 2026-02-04. Review status: criteria provided, single submitter. Criteria: Invitae Variant Classification Sherloc (09022015). Collection method: clinical testing. Allele origin: germline.

Mayo Clinic Laboratories, Mayo Clinic
Classification: Benign. Last evaluated: 2022-09-06. Review status: criteria provided, single submitter. Criteria: ACMG Guidelines, 2015. Collection method: clinical testing. Allele origin: germline. Observed: 79 variant alleles.

Genome-Nilou Lab
Classification: Benign for Congenital lactase deficiency. Last evaluated: 2021-08-19. Review status: criteria provided, single submitter. Criteria: ACMG Guidelines, 2015. Collection method: clinical testing. Allele origin: germline. Affected: no.

GeneDx
Classification: Benign. Last evaluated: 2018-11-12. Review status: criteria provided, single submitter. Criteria: GeneDx Variant Classification Process June 2021. Collection method: clinical testing. Allele origin: germline. Affected: yes.

Illumina Laboratory Services, Illumina
Classification: Benign for Congenital lactase deficiency. Last evaluated: 2018-01-13. Review status: criteria provided, single submitter. Criteria: ICSL Variant Classification Criteria 13 December 2019. Collection method: clinical testing. Allele origin: germline.
Comment: This variant was observed in the ICSL laboratory as part of a predisposition screen in an ostensibly healthy population. It had not been previously curated by ICSL or reported in the Human Gene Mutation Database (HGMD: prior to June 1st, 2018), and was therefore a candidate for classification through an automated scoring system. Utilizing variant allele frequency, disease prevalence and penetrance estimates, and inheritance mode, an automated score was calculated to assess if this variant is too frequent to cause the disease. Based on the score and internal cut-off values, a variant classified as benign is not then subjected to further curation. The score for this variant resulted in a classification of benign for this disease.

Breakthrough Genomics
Classification: Benign. Review status: criteria provided, single submitter. Criteria: ACMG Guidelines, 2015. Collection method: not provided. Allele origin: germline. Inheritance: Autosomal recessive inheritance. Affected: yes.

Diagnostic Laboratory, Department of Genetics, University Medical Center Groningen
Classification: Benign. Review status: no assertion criteria provided. Collection method: clinical testing. Allele origin: germline. Affected: yes. Study: VKGL Data-share Consensus. Not counted in ClinVar's aggregate classification.

Joint Genome Diagnostic Labs from Nijmegen and Maastricht, Radboudumc and MUMC+
Classification: Benign. Review status: no assertion criteria provided. Collection method: clinical testing. Allele origin: germline. Affected: yes. Study: VKGL Data-share Consensus. Not counted in ClinVar's aggregate classification.